The following is an entry in ClinVar:

NM_001036.6(RYR3):c.5721T>C (p.Cys1907=)

Gene: RYR3 (ryanodine receptor 3; plus strand). Cytogenetic location: 15q14.
Variant type: single nucleotide variant.
Coding change: c.5721T>C on transcript NM_001036.6 (MANE Select); coding-DNA position 5721, T replaced by C.
Protein change: p.Cys1907=; no amino-acid change (cysteine 1907 retained).
Molecular consequence: synonymous variant.
Genome position (GRCh38, 1-based): chr15:33,669,455, T>C. VCF-style: chr15-33669455-T-C. GRCh37 (hg19) VCF-style: chr15-33961656-T-C.
Other names: c.5721T>C, p.Cys1907= (NM_001243996.4).
Identifiers: ClinVar variation 940927 (VCV000940927.9), dbSNP rs1320750197, ClinGen allele CA489392703.
Genomic context (GRCh38, chr15:33,669,455, plus strand): 5'-CTGCCCAGAGGAGATTCGGGAGGAGCTGTATGATTTCCATGAGGACCTTCTCCTTCACTG[T>C]GGTAAGCTGCCCAGAGAAAGGCTTTGTCCTTTTTTTACAAGAAGAGTCTGTTTTTGATTC-3'
Protein context (NP_001027.3, residues 1897-1917): YDFHEDLLLH[Cys1907=]GVPLEEEEEE

ClinVar aggregate classification (germline): Uncertain significance (1 of 4 stars; one submission).

Conditions:
Epileptic encephalopathy. Identifiers: MedGen C0543888, HP:0200134.

Allele frequency attached by ClinVar (database versions not stated): gnomAD exomes below 0.00001 and 0.00001; TOPMed 0.00001.
gnomAD v4.1: 3 of 1,613,288 alleles (0.00019%); highest among the groups gnomAD compares: Admixed American, 0.005%; no homozygotes.

Submission:

Labcorp Genetics (formerly Invitae), Labcorp
Classification: Uncertain significance for Epileptic encephalopathy. Last evaluated: 2019-09-11. Review status: criteria provided, single submitter. Criteria: Invitae Variant Classification Sherloc (09022015). Collection method: clinical testing. Allele origin: germline.
Comment: Algorithms developed to predict the effect of sequence changes on RNA splicing suggest that this variant is not likely to affect RNA splicing, but this prediction has not been confirmed by published transcriptional studies. This sequence change affects codon 1907 of the RYR3 mRNA. It is a 'silent' change, meaning that it does not change the encoded amino acid sequence of the RYR3 protein. This variant is not present in population databases (ExAC no frequency). This variant has not been reported in the literature in individuals with RYR3-related disease. In summary, the available evidence is currently insufficient to determine the role of this variant in disease. Therefore, it has been classified as a Variant of Uncertain Significance.